The following is an entry in ClinVar:

ClinVar aggregate classification (germline): Conflicting classifications of pathogenicity. Review status: criteria provided, conflicting classifications (1 of 4 stars). 6 submissions from 6 submitters: Uncertain significance (4); Likely benign (1). 1 of the submissions does not count toward it. Last evaluated 2024-07-01.

Conditions:
CD36-related disorder. Also called: CD36-related condition; CD36-related disorders.
Platelet-type bleeding disorder 10. Also called: CD36 DEFICIENCY. Identifiers: MedGen C1842090, MONDO:0012031, OMIM 608404.

Allele frequency attached by ClinVar (database versions not stated): ESP Exome Variant Server 0.00008; 1000 Genomes Project 30x 0.00016; 1000 Genomes Project 0.00020; gnomAD 0.00023 and 0.00025; gnomAD exomes 0.00030; TOPMed 0.00030; ExAC 0.00031.

Submissions (6):

CeGaT Center for Human Genetics Tuebingen
Classification: Likely benign. Last evaluated: 2024-07-01. Review status: criteria provided, single submitter. Criteria: CeGaT Center For Human Genetics Tuebingen Variant Classification Criteria Version 2. Collection method: clinical testing. Allele origin: germline. Affected: yes. Observed: 3 variant alleles.
Comment: CD36: BP1

Ambry Genetics
Classification: Uncertain significance. Last evaluated: 2024-05-26. Review status: criteria provided, single submitter. Criteria: Ambry Variant Classification Scheme 2023. Collection method: clinical testing. Allele origin: germline.

Institute for Clinical Genetics, University Hospital TU Dresden, University Hospital TU Dresden
Classification: Uncertain significance. Last evaluated: 2021-11-03. Review status: criteria provided, single submitter. Criteria: ACMG Guidelines, 2015. Collection method: clinical testing. Allele origin: germline.

Illumina Laboratory Services, Illumina
Classification: Uncertain significance for Platelet-type bleeding disorder 10. Last evaluated: 2018-01-13. Review status: criteria provided, single submitter. Criteria: ICSL Variant Classification Criteria 13 December 2019. Collection method: clinical testing. Allele origin: germline.

Breakthrough Genomics
Classification: Uncertain significance. Review status: criteria provided, single submitter. Criteria: ACMG Guidelines, 2015. Collection method: not provided. Allele origin: germline. Inheritance: Autosomal recessive inheritance. Affected: yes.

PreventionGenetics, part of Exact Sciences
Classification: Uncertain significance for CD36-related condition. Last evaluated: 2024-07-19. Review status: no assertion criteria provided. Collection method: clinical testing. Allele origin: germline. Not counted in ClinVar's aggregate classification.
Comment: The CD36 c.649G>A variant is predicted to result in the amino acid substitution p.Gly217Arg. This variant was reported in individuals with CD36 deficiency in the homozygous, compound heterozygous and heterozygous states (Flesch et al 2021. PubMed ID: 33822386). This variant is reported in 0.043% of alleles in individuals of European (Non-Finnish) descent in gnomAD. At this time, the clinical significance of this variant is uncertain due to the absence of conclusive functional and genetic evidence.

NM_001001548.3(CD36):c.649G>A (p.Gly217Arg)

Gene: CD36 (CD36 molecule (CD36 blood group); plus strand). Cytogenetic location: 7q21.11.
Variant type: single nucleotide variant.
Coding change: c.649G>A on transcript NM_001001548.3 (MANE Select); coding-DNA position 649, G replaced by A.
Protein change: p.Gly217Arg; replaces glycine 217 with arginine.
Molecular consequence: missense variant. On other transcripts: non-coding transcript variant (1).
Genome position (GRCh38, 1-based): chr7:80,664,445, G>A. VCF-style: chr7-80664445-G-A. GRCh37 (hg19) VCF-style: chr7-80293761-G-A.
Other names: c.649G>A, p.Gly217Arg (NM_000072.3, NM_001001547.3, NM_001127443.2 and 6 more transcripts); c.469G>A, p.Gly157Arg (NM_001289909.1); c.421G>A, p.Gly141Arg (NM_001289911.2); c.547G>A, p.Gly183Arg (NM_001371079.1); c.184G>A, p.Gly62Arg (NM_001371080.1, NM_001371081.1); short protein forms G217R, G157R, G141R, G183R, G62R.
Identifiers: ClinVar variation 360761 (VCV000360761.34), dbSNP rs200067322, ClinGen allele CA4315298.